The following is an entry in ClinVar:

NM_007373.4(SHOC2):c.519G>A (p.Met173Ile)

Gene: SHOC2 (SHOC2 leucine rich repeat scaffold protein; plus strand). Cytogenetic location: 10q25.2.
Variant type: single nucleotide variant.
Coding change: c.519G>A on transcript NM_007373.4 (MANE Select); coding-DNA position 519, G replaced by A.
Protein change: p.Met173Ile; replaces methionine 173 with isoleucine.
Molecular consequence: missense variant.
Genome position (GRCh38, 1-based): chr10:110,964,877, G>A. VCF-style: chr10-110964877-G-A. GRCh37 (hg19) VCF-style: chr10-112724635-G-A.
Other names: p.M173I:ATG>ATA; NM_007373.3(SHOC2):c.519G>A; c.519G>A, p.Met173Ile (NM_001269039.3, NM_001324336.2, NM_001324337.2); c.519G>A (NM_001324337.1); short protein forms M173I.
Identifiers: ClinVar variation 181528 (VCV000181528.26), dbSNP rs730881020, ClinGen allele CA199174.

ClinVar aggregate classification (germline): Pathogenic. Review status: reviewed by expert panel (3 of 4 stars). 10 submissions from 10 submitters: Pathogenic (1). 9 of the submissions do not count toward it. Last evaluated 2024-09-17.

Conditions:
Cardiovascular phenotype. Identifiers: MedGen CN230736.
RASopathy. Also called: rasopathies; Noonan spectrum disorder. Identifiers: Orphanet 536391, MedGen C5555857, MONDO:0021060.
Non-immune hydrops fetalis (NIHF). Also called: Idiopathic hydrops fetalis; Familial non-immune hydrops fetalis; Fetal edema. Identifiers: Orphanet 363999, MedGen C0455988, MONDO:0009369, OMIM 236750, HP:0001790.
Noonan syndrome-like disorder with loose anagen hair 1 (NSLH1). Also called: MAZZANTI SYNDROME; TOSTI SYNDROME. Identifiers: Orphanet 2701, MedGen C4478716, MONDO:0054637, OMIM 607721.

Submissions (10):

ClinGen RASopathy Variant Curation Expert Panel
Classification: Pathogenic for RASopathy. Last evaluated: 2024-09-17. Review status: reviewed by expert panel. Criteria: ClinGen RASopathy ACMG Specifications SHOC2 V2.1.0. Collection method: curation. Allele origin: germline. Inheritance: Autosomal dominant inheritance.
Comment: The c.519G>A variant in the SHOC2 gene is a missense variant predicted to cause substitution of methionine by isoleucine at amino acid 173 (p.Met173Ile). This variant is absent from gnomAD v4.1.0 (PM2_Supporting). The computational predictor REVEL gives a score of 0.768 (PP3). This variant has been identified as a de novo occurrence with confirmed parental relationships in 3 individuals and with unconfirmed parental relationships in 1 individual with RASopathy (PS2_VeryStrong; Invitae, GeneDx, Ambry, Genomic Medicine Lab; ClinVar SCV001573982.4, SCV000209055.14, SCV002641556.1, SCV001573024.1). This variant has been reported in more than 5 probands diagnosed with RASopathy (PS4; PMIDs: 25137548, 29907801; Invitae, GeneDx, UCSF Genomic Medicine Lab, LabCorp, Ambry; ClinVar SCV001573982.4, SCV000209055.14, SCV001573024.1, SCV000699327.2, SCV002641556.1). ERK phosphorylation assays showed that this variant decreases the ability of SHOC2 to accelerate ERK1/2 phosphorylation (PS3 not met, PMID: 25137548). In summary, this variant meets criteria to be classified as pathogenic for autosomal dominant RASopathies based on the ACMG/AMP criteria applied, as specified by the ClinGen RASopathy Variant Curation Expert Panel: PS2_VeryStrong, PS4, PM2_Supporting, PP3 (Specification Version 2.1, 09/17/2024)

Ambry Genetics
Classification: Pathogenic for Cardiovascular phenotype. Last evaluated: 2026-07-06. Review status: criteria provided, single submitter. Criteria: Ambry Variant Classification Scheme 2023. Collection method: clinical testing. Allele origin: germline. Not counted in ClinVar's aggregate classification.
Comment: The c.519G>A (p.M173I) alteration is located in exon 2 (coding exon 1) of the SHOC2 gene. This alteration results from a G to A substitution at nucleotide position 519, causing the methionine (M) at amino acid position 173 to be replaced by an isoleucine (I). This variant was not reported in population-based cohorts in the Genome Aggregation Database (gnomAD). This variant was reported in individual(s) with features consistent with SHOC2-related Noonan-like syndrome with loose anagen hair; in at least one individual, it was determined to be de novo (Hannig, 2014; external communication; Ambry internal data). This amino acid position is highly conserved in available vertebrate species. Functional studies showed that the p.M173I mutant protein leads to dysregulation of the ERK1/2 pathway due to impaired capacity to interact with the catalytic subunit of protein phosphatase 1c and insufficient activation of RAF-1 kinase, suggesting loss-of-function as the mechanism of disease (Hannig, 2014). However, Young et al. (2018) found that p.M173I behaves as a gain-of-function mutant that has enhanced interaction with MRAS and PP1 and rescues ERK activation in SHOC2-deficient cells. This alteration is predicted to be tolerated by in silico analysis. Based on the available evidence, this alteration is classified as pathogenic.

Labcorp Genetics (formerly Invitae), Labcorp
Classification: Pathogenic for RASopathy. Last evaluated: 2025-07-09. Review status: criteria provided, single submitter. Criteria: Invitae Variant Classification Sherloc (09022015). Collection method: clinical testing. Allele origin: germline. Not counted in ClinVar's aggregate classification.
Comment: This sequence change replaces methionine, which is neutral and non-polar, with isoleucine, which is neutral and non-polar, at codon 173 of the SHOC2 protein (p.Met173Ile). This variant is not present in population databases (gnomAD no frequency). This missense change has been observed in individual(s) with clinical features of SHOC2-related conditions (PMID: 22670144, 25137548, 29907801; internal data). In at least one individual the variant was observed to be de novo. ClinVar contains an entry for this variant (Variation ID: 181528). Invitae Evidence Modeling of protein sequence and biophysical properties (such as structural, functional, and spatial information, amino acid conservation, physicochemical variation, residue mobility, and thermodynamic stability) indicates that this missense variant is not expected to disrupt SHOC2 protein function with a negative predictive value of 80%. Experimental studies are conflicting or provide insufficient evidence to determine the effect of this variant on SHOC2 function (PMID: 25137548, 30348783). For these reasons, this variant has been classified as Pathogenic.

GeneDx
Classification: Pathogenic. Last evaluated: 2025-03-20. Review status: criteria provided, single submitter. Criteria: GeneDx Variant Classification Process June 2021. Collection method: clinical testing. Allele origin: germline. Affected: yes. Not counted in ClinVar's aggregate classification.
Comment: Published as paternally inherited in an individual with some features suggestive of a RASopathy, whose father was reported to have intellectual disability, a high arched palate, sparse hair, and clubbed nails, but no additional findings suggestive of a RASopathy (PMID: 25137548); Published functional studies demonstrate conflicting data regarding the variant's effect, with some data suggesting a gain of protein function and some data suggesting a loss of protein function (PMID: 25137548, 30348783, 33106373, 35348676).; Not observed at significant frequency in large population cohorts (gnomAD); In silico analysis indicates that this missense variant does not alter protein structure/function; This variant is associated with the following publications: (PMID: 25137548, 29907801, 30417923, 27574535, 30050098, 33106373, 34732400, 37236975, 29493581, 36579329, 35348676, 30348783)

Clinical Genomics Laboratory, Washington University in St. Louis
Classification: Likely pathogenic for Noonan syndrome-like disorder with loose anagen hair 1. Last evaluated: 2024-02-08. Review status: criteria provided, single submitter. Criteria: ACMG Guidelines, 2015. Collection method: clinical testing. Allele origin: germline. Affected: yes. Not counted in ClinVar's aggregate classification.
Comment: The SHOC2 c.519G>A (p.Met173Ile) variant has been reported in the literature in at least three individuals affected with a RASopathy. One publication described the variant occurring de novo in an affected individual and another publication described the variant in a reportedly affected father and daughter (Hannig V et al., PMID: 25137548; Motta M et al., PMID: 35348676). Additionally, this variant has been reported in the ClinVar database as a germline likely pathogenic variant by five sources and a variant of uncertain significance by three sources. Although the ClinGen RASopathy Variant Curation Expert Panel classifies this variant as a variant of uncertain significance, the classification is nearly seven years old and does not reference more current evidence. In at least one of the ClinVar entries, the submitter references internal data showing detection of the variant de novo and detection of the variant in multiple affected individuals. This variant is absent from the general population (gnomAD v.2.1.1), indicating it is not a common variant. Computational predictors indicate that the variant is damaging, evidence that correlates with impact to SHOC2 function. In support of this prediction, functional studies in transgenic zebrafish show the variant causes enhanced SHOC2 binding to both MRAS and PPP1CB, and the variant protein promotes increased EGF-stimulated MAPK signaling (Motta M et al., PMID: 35348676). Based on available information and the ACMG/AMP guidelines for variant interpretation and the RASopathy Variant Curation Expert Panel guidelines (Gelb BD et al., PMID: 29493581; Richards S et al., PMID: 25741868), this variant is classified as likely pathogenic.

Center for Personalized Medicine, Children's Hospital Los Angeles
Classification: Likely pathogenic. Last evaluated: 2022-12-21. Review status: criteria provided, single submitter. Criteria: ACMG Guidelines, 2015. Collection method: clinical testing. Allele origin: de novo. Affected: yes. Not counted in ClinVar's aggregate classification.

Women's Health and Genetics/Laboratory Corporation of America, LabCorp
Classification: Uncertain significance. Last evaluated: 2020-04-02. Review status: criteria provided, single submitter. Criteria: LabCorp Variant Classification Summary - May 2015. Collection method: clinical testing. Allele origin: germline. Inheritance: Autosomal dominant inheritance. Not counted in ClinVar's aggregate classification.
Comment: Variant Summary : SHOC2 c.519G>A (p.Met173Ile) results in a conservative amino acid change located in the Leucine-rich repeat (IPR001611) of the encoded protein sequence. Four of five in-silico tools predict a benign effect of the variant on protein function. The variant was absent in 250232 control chromosomes (gnomAD). c.519G>A has been reported in the literature in a father and daughter who did not have classic symptoms of NS, CFC or NS/LAH, but displayed features overlapping all three conditions, with mild clinical manifestations (Hannig_2014). The variant was also reported by a ClinVar submitter in a proband with clinical features of a RASopathy (SCV000616431.3). A different variant affecting the same amino acid (c.517A>G, p.M173V) was confirmed as de novo occurrence in one individual with Noonan-like syndrome with loose anagen hair (NS/LAH) (PMID 22670144). These data indicate that the variant may be associated with disease. Functional studies have provided somewhat contradictory conclusions regarding the mechanism of action of this variant. Hannig et al (2014) in their study demonstrated the variant protein has impaired capacity to interact with protein phosphatase 1c (PP1c), leading to insufficient activation of RAF-1 kinase and is thus unable to fully rescue ERK1/2 activity in cells depleted of endogenous SHOC2. The authors concluded that the variant causes loss of function in the ERK1/2 pathway. A more recent study (Young_2018), concluded that M173I behaves as a gain-of-function mutant that has enhanced interaction with MRAS and PP1 and rescues ERK activation by upregulating the ERK pathway in SHOC2-deficient cells. The authors describe the variant as being only weakly activating, which could perhaps correlate with presence of mild symptoms in reported patients (e.g. Hannig_2014). Two ClinVar submitters including an expert panel (ClinGen RASopathy Variant Curation Expert Panel) (evaluation after 2014) cite the variant as uncertain significance. Based on the insufficient clinical and contradictory functional evidence outlined above, the variant was classified as uncertain significance.

Genomic Medicine Lab, University of California San Francisco
Classification: Likely pathogenic for Non-immune hydrops fetalis. Last evaluated: 2020-01-09. Review status: criteria provided, single submitter. Criteria: ACMG Guidelines, 2015. Collection method: clinical testing. Allele origin: de novo. Inheritance: Autosomal dominant inheritance. Affected: yes. Study: CSER-P3EGS. Not counted in ClinVar's aggregate classification.

OMIM
Classification: Pathogenic for NOONAN SYNDROME-LIKE DISORDER WITH LOOSE ANAGEN HAIR 1. Last evaluated: 2014-11-01. Review status: no assertion criteria provided. Collection method: literature only. Allele origin: germline. Not counted in ClinVar's aggregate classification.

Genetic Testing Lab, University of Kentucky College of Medicine
Classification: Pathogenic for Noonan-like syndrome with loose anagen hair. Last evaluated: 2013-08-15. Review status: no assertion criteria provided. Collection method: clinical testing. Allele origin: germline. Affected: yes. Not counted in ClinVar's aggregate classification.

Literature cited by the submitters: PubMed 25137548 (cited by 5 submitters); PubMed 30348783 (cited by 4 submitters); PubMed 22670144 (cited by Labcorp Genetics (formerly Invitae), Labcorp); PubMed 29907801 (cited by Labcorp Genetics (formerly Invitae), Labcorp and Women's Health and Genetics/Laboratory Corporation of America, LabCorp).